The following is an entry in ClinVar:

ClinVar aggregate classification (germline): Uncertain significance (1 of 4 stars; one submission).

Allele frequency attached by ClinVar (database versions not stated): TOPMed below 0.00001; ExAC 0.00001.

Submission:

Labcorp Genetics (formerly Invitae), Labcorp
Classification: Uncertain significance. Last evaluated: 2025-06-23. Review status: criteria provided, single submitter. Criteria: Invitae Variant Classification Sherloc (09022015). Collection method: clinical testing. Allele origin: germline.
Comment: This sequence change replaces alanine, which is neutral and non-polar, with valine, which is neutral and non-polar, at codon 323 of the ORC1 protein (p.Ala323Val). This variant is not present in population databases (gnomAD no frequency). This variant has not been reported in the literature in individuals affected with ORC1-related conditions. ClinVar contains an entry for this variant (Variation ID: 2066427). Invitae Evidence Modeling of protein sequence and biophysical properties (such as structural, functional, and spatial information, amino acid conservation, physicochemical variation, residue mobility, and thermodynamic stability) indicates that this missense variant is not expected to disrupt ORC1 protein function with a negative predictive value of 80%. In summary, the available evidence is currently insufficient to determine the role of this variant in disease. Therefore, it has been classified as a Variant of Uncertain Significance.

NM_004153.4(ORC1):c.968C>T (p.Ala323Val)

Gene: ORC1 (origin recognition complex subunit 1; minus strand). Cytogenetic location: 1p32.3.
Variant type: single nucleotide variant.
Coding change: c.968C>T on transcript NM_004153.4 (MANE Select); coding-DNA position 968, C replaced by T.
Protein change: p.Ala323Val; replaces alanine 323 with valine.
Molecular consequence: missense variant.
Genome position (GRCh38, 1-based): chr1:52,393,557, G>A on the plus strand (C>T on the coding strand, the complement: ORC1 is on the minus strand). VCF-style: chr1-52393557-G-A. GRCh37 (hg19) VCF-style: chr1-52859229-G-A.
Other names: c.968C>T, p.Ala323Val (NM_001190818.2, NM_001190819.2); short protein forms A323V.
Identifiers: ClinVar variation 2066427 (VCV002066427.4), dbSNP rs777948211, ClinGen allele CA853474.